The following is an entry in ClinVar:

ClinVar aggregate classification (germline): Uncertain significance. Review status: criteria provided, multiple submitters, no conflicts (2 of 4 stars). 2 submissions from 2 submitters: Uncertain significance (2). Last evaluated 2022-05-03.

Conditions:
Familial cancer of breast. Also called: BREAST CANCER, FAMILIAL; Hereditary breast cancer; hereditary breast carcinoma. Identifiers: Orphanet 227535, MedGen C0346153, MONDO:0016419, OMIM 114480. Disease mechanism: loss of function.

Submissions (2):

Labcorp Genetics (formerly Invitae), Labcorp
Classification: Uncertain significance for Familial cancer of breast. Last evaluated: 2022-05-03. Review status: criteria provided, single submitter. Criteria: Invitae Variant Classification Sherloc (09022015). Collection method: clinical testing. Allele origin: germline.
Comment: In summary, the available evidence is currently insufficient to determine the role of this variant in disease. Therefore, it has been classified as a Variant of Uncertain Significance. Algorithms developed to predict the effect of missense changes on protein structure and function (SIFT, PolyPhen-2, Align-GVGD) all suggest that this variant is likely to be tolerated. ClinVar contains an entry for this variant (Variation ID: 182425). This variant has not been reported in the literature in individuals affected with CHEK2-related conditions. This variant is not present in population databases (gnomAD no frequency). This sequence change replaces lysine, which is basic and polar, with arginine, which is basic and polar, at codon 153 of the CHEK2 protein (p.Lys153Arg).

GeneDx
Classification: Uncertain significance. Last evaluated: 2014-08-25. Review status: criteria provided, single submitter. Criteria: GeneDx Variant Classification (06012015). Collection method: clinical testing. Allele origin: germline. Affected: yes.
Comment: This variant is denoted CHEK2 c.458A>G at the cDNA level, p.Lys153Arg (K153R) at the protein level, and results in the change of a Lysine to an Arginine (AAA>AGA). This variant has not, to our knowledge, been published in the literature as pathogenic or benign. CHEK2 Lys153Arg was not observed in approximately 6,500 individuals of European and African American ancestry in the NHLBI Exome Sequencing Project, indicating it is not a common benign variant in these populations. Since Lysine and Arginine share similar properties, this is considered a conservative amino acid substitution. CHEK2 Lys153Arg occurs at a position that is highly conserved across species and is located in within the FHA domain (Roeb 2012, UniProt). In silico analyses are inconsistent regarding the effect this variant may have on protein structure and function. Based on currently available information, it is unclear whether CHEK2 Lys153Arg is pathogenic or benign. We consider it to be a variant of uncertain significance.

NM_007194.4(CHEK2):c.458A>G (p.Lys153Arg)

Gene: CHEK2 (checkpoint kinase 2; minus strand). Cytogenetic location: 22q12.1.
Variant type: single nucleotide variant.
Coding change: c.458A>G on transcript NM_007194.4 (MANE Select); coding-DNA position 458, A replaced by G.
Protein change: p.Lys153Arg; replaces lysine 153 with arginine.
Molecular consequence: missense variant. On other transcripts: 5 prime UTR variant (2), intron variant (1).
Genome position (GRCh38, 1-based): chr22:28,725,111, T>C on the plus strand (A>G on the coding strand, the complement: CHEK2 is on the minus strand). VCF-style: chr22-28725111-T-C. GRCh37 (hg19) VCF-style: chr22-29121099-T-C.
Other names: p.K153R:AAA>AGA; c.587A>G, p.Lys196Arg (NM_001005735.3, NM_001438294.1); c.-320A>G (NM_001257387.3); c.-206A>G (NM_001437942.1); c.551A>G, p.Lys184Arg (NM_001438293.1, NM_001438295.1); c.458A>G, p.Lys153Arg (NM_145862.3); c.444+132A>G (NM_001349956.3); short protein forms K153R, K196R, K184R.
Identifiers: ClinVar variation 182425 (VCV000182425.6), dbSNP rs730881682, ClinGen allele CA299063.